The following is an entry in ClinVar:

ClinVar aggregate classification (germline): Benign. Review status: criteria provided, multiple submitters, no conflicts (2 of 4 stars). 2 submissions from 2 submitters: Benign (2). Last evaluated 2018-06-19.

Allele frequency attached by ClinVar (database versions not stated): gnomAD 0.05691 and 0.06076; TOPMed 0.06387; 1000 Genomes Project 0.07129; 1000 Genomes Project 30x 0.07448.
gnomAD v4.1: 8,557 of 152,276 alleles (5.6%); highest among the groups gnomAD compares: African/African-American, 20%; 795 homozygotes.

Submissions (2):

GeneDx
Classification: Benign. Last evaluated: 2018-06-19. Review status: criteria provided, single submitter. Criteria: GeneDx Variant Classification (06012015). Collection method: clinical testing. Allele origin: germline. Affected: yes.
Comment: This variant is considered likely benign or benign based on one or more of the following criteria: it is a conservative change, it occurs at a poorly conserved position in the protein, it is predicted to be benign by multiple in silico algorithms, and/or has population frequency not consistent with disease.

Breakthrough Genomics
Classification: Benign. Review status: criteria provided, single submitter. Criteria: ACMG Guidelines, 2015. Collection method: not provided. Allele origin: germline. Inheritance: Autosomal dominant inheritance. Affected: yes.

NM_000093.5(COL5A1):c.1828-170C>T

Gene: COL5A1 (collagen type V alpha 1 chain; plus strand). Cytogenetic location: 9q34.3.
Variant type: single nucleotide variant.
Coding change: c.1828-170C>T on transcript NM_000093.5 (MANE Select); 170 bases into the intron before coding-DNA position 1828, C replaced by T.
Molecular consequence: intron variant.
Genome position (GRCh38, 1-based): chr9:134,756,595, C>T. VCF-style: chr9-134756595-C-T. GRCh37 (hg19) VCF-style: chr9-137648441-C-T.
Other names: c.1828-170C>T (NM_001278074.1).
Identifiers: ClinVar variation 675250 (VCV000675250.2), dbSNP rs12004527, ClinGen allele CA201091782.